The following is an entry in ClinVar:

ClinVar aggregate classification (germline): Uncertain significance (1 of 4 stars; one submission).

Conditions:
Syndromic multisystem autoimmune disease due to ITCH deficiency. Also called: AUTOIMMUNE DISEASE, MULTISYSTEM, WITH FACIAL DYSMORPHISM. Identifiers: Orphanet 228426, MedGen C3150649, MONDO:0013245, OMIM 613385.

Allele frequency attached by ClinVar (database versions not stated): gnomAD exomes below 0.00001; TOPMed below 0.00001; gnomAD 0.00001.
gnomAD v4.1: 5 of 1,612,868 alleles (0.00031%); highest among the groups gnomAD compares: African/African-American, 0.0013%; no homozygotes.

Submission:

Labcorp Genetics (formerly Invitae), Labcorp
Classification: Uncertain significance for Syndromic multisystem autoimmune disease due to ITCH deficiency. Last evaluated: 2019-06-25. Review status: criteria provided, single submitter. Criteria: Invitae Variant Classification Sherloc (09022015). Collection method: clinical testing. Allele origin: germline.
Comment: In summary, the available evidence is currently insufficient to determine the role of this variant in disease. Therefore, it has been classified as a Variant of Uncertain Significance. Algorithms developed to predict the effect of missense changes on protein structure and function are either unavailable or do not agree on the potential impact of this missense change (SIFT: "Deleterious"; PolyPhen-2: "Probably Damaging"; Align-GVGD: "Class C0"). This variant has not been reported in the literature in individuals with ITCH-related disease. This variant is not present in population databases (ExAC no frequency). This sequence change replaces arginine with histidine at codon 833 of the ITCH protein (p.Arg833His). The arginine residue is moderately conserved and there is a small physicochemical difference between arginine and histidine.

NM_031483.7(ITCH):c.2498G>A (p.Arg833His)

Gene: ITCH (itchy E3 ubiquitin protein ligase; plus strand). Cytogenetic location: 20q11.22.
Variant type: single nucleotide variant.
Coding change: c.2498G>A on transcript NM_031483.7 (MANE Select); coding-DNA position 2498, G replaced by A.
Protein change: p.Arg833His; replaces arginine 833 with histidine.
Molecular consequence: missense variant.
Genome position (GRCh38, 1-based): chr20:34,507,703, G>A. VCF-style: chr20-34507703-G-A. GRCh37 (hg19) VCF-style: chr20-33095508-G-A.
Other names: c.2621G>A, p.Arg874His (NM_001257137.3, NM_001324197.2); c.2168G>A, p.Arg723His (NM_001257138.3); c.2498G>A, p.Arg833His (NM_001324198.2); short protein forms R723H, R833H, R874H.
Identifiers: ClinVar variation 652599 (VCV000652599.9), dbSNP rs1457975002, ClinGen allele CA408663649.
Genomic context (GRCh38, chr20:34,507,703, plus strand): 5'-ATTTGATTCTTTGCATATTTCCTTTTCTCAAACTAACAATTCTTGCTTTTAGTTTTAATC[G>A]CCTGGACCTGCCACCATACAAGAGCTATGAGCAACTGAAGGAAAAGCTGTTGTTTGCCAT-3'
Protein context (NP_113671.3, residues 823-843): WLPRSHTCFN[Arg833His]LDLPPYKSYE